The following is an entry in ClinVar:

NM_006642.5(SDCCAG8):c.1974G>A (p.Thr658=)

Gene: SDCCAG8 (SHH signaling and ciliogenesis regulator SDCCAG8; plus strand). Cytogenetic location: 1q43.
Variant type: single nucleotide variant.
Coding change: c.1974G>A on transcript NM_006642.5 (MANE Select); coding-DNA position 1974, G replaced by A.
Protein change: p.Thr658=; no amino-acid change (threonine 658 retained).
Molecular consequence: synonymous variant.
Genome position (GRCh38, 1-based): chr1:243,426,547, G>A. VCF-style: chr1-243426547-G-A. GRCh37 (hg19) VCF-style: chr1-243589849-G-A.
Other names: c.1071G>A, p.Thr357= (NM_001350246.2, NM_001350247.2, NM_001350251.2); c.2070G>A, p.Thr690= (NM_001350248.2); c.1680G>A, p.Thr560= (NM_001350249.2).
Identifiers: ClinVar variation 3029007 (VCV003029007.2), dbSNP rs1406874695, ClinGen allele CA424346897.

ClinVar aggregate classification (germline): Likely benign (0 of 4 stars; one submission).

Conditions:
SDCCAG8-related disorder. Also called: SDCCAG8-Related Disorders; SDCCAG8-related condition.

Allele frequency attached by ClinVar (database versions not stated): TOPMed 0.00001; gnomAD exomes 0.00002.
gnomAD v4.1: 30 of 1,613,982 alleles (0.0019%); highest among the groups gnomAD compares: South Asian, 0.0022%; no homozygotes.

Submission:

PreventionGenetics, part of Exact Sciences
Classification: Likely benign for SDCCAG8-related condition. Last evaluated: 2024-02-08. Review status: no assertion criteria provided. Collection method: clinical testing. Allele origin: germline.
Comment: This variant is classified as likely benign based on ACMG/AMP sequence variant interpretation guidelines (Richards et al. 2015 PMID: 25741868, with internal and published modifications).